The following is an entry in ClinVar:

ClinVar aggregate classification (germline): Uncertain significance (1 of 4 stars; one submission).

Conditions:
Focal segmental glomerulosclerosis 5 (FSGS5). Identifiers: Orphanet 656, MedGen C2750475, MONDO:0013191, OMIM 613237.
Charcot-Marie-Tooth disease dominant intermediate E. Also called: CHARCOT-MARIE-TOOTH NEUROPATHY WITH FOCAL SEGMENTAL GLOMERULONEPHRITIS. Identifiers: Orphanet 93114, MedGen C4302667, MONDO:0013758, OMIM 614455.

Submission:

Labcorp Genetics (formerly Invitae), Labcorp
Classification: Uncertain significance for Charcot-Marie-Tooth disease dominant intermediate E; Focal segmental glomerulosclerosis 5. Last evaluated: 2025-12-22. Review status: criteria provided, single submitter. Criteria: Invitae Variant Classification Sherloc (09022015). Collection method: clinical testing. Allele origin: germline.
Comment: This sequence change replaces glycine, which is neutral and non-polar, with arginine, which is basic and polar, at codon 511 of the INF2 protein (p.Gly511Arg). This variant is not present in population databases (gnomAD no frequency). This variant has not been reported in the literature in individuals affected with INF2-related conditions. Invitae Evidence Modeling of protein sequence and biophysical properties (such as structural, functional, and spatial information, amino acid conservation, physicochemical variation, residue mobility, and thermodynamic stability) indicates that this missense variant is not expected to disrupt INF2 protein function with a negative predictive value of 95%. In summary, the available evidence is currently insufficient to determine the role of this variant in disease. Therefore, it has been classified as a Variant of Uncertain Significance.

NM_022489.4(INF2):c.1531G>C (p.Gly511Arg)

Gene: INF2 (inverted formin 2; plus strand). Cytogenetic location: 14q32.33.
Variant type: single nucleotide variant.
Coding change: c.1531G>C on transcript NM_022489.4 (MANE Select); coding-DNA position 1531, G replaced by C.
Protein change: p.Gly511Arg; replaces glycine 511 with arginine.
Molecular consequence: missense variant. On other transcripts: non-coding transcript variant (1).
Genome position (GRCh38, 1-based): chr14:104,707,798, G>C. VCF-style: chr14-104707798-G-C. GRCh37 (hg19) VCF-style: chr14-105174135-G-C.
Other names: c.1531G>C, p.Gly511Arg (NM_001031714.4, NM_001426862.1, NM_001426863.1 and 2 more transcripts); short protein forms G511R.
Identifiers: ClinVar variation 4789555 (VCV004789555.1).